The following is an entry in ClinVar:

NM_015102.5(NPHP4):c.3292G>A (p.Ala1098Thr)

Gene: NPHP4 (nephrocystin 4; minus strand). Cytogenetic location: 1p36.31.
Variant type: single nucleotide variant.
Coding change: c.3292G>A on transcript NM_015102.5 (MANE Select); coding-DNA position 3292, G replaced by A.
Protein change: p.Ala1098Thr; replaces alanine 1098 with threonine.
Molecular consequence: missense variant. On other transcripts: non-coding transcript variant (1).
Genome position (GRCh38, 1-based): chr1:5,873,275, C>T on the plus strand (G>A on the coding strand, the complement: NPHP4 is on the minus strand). VCF-style: chr1-5873275-C-T. GRCh37 (hg19) VCF-style: chr1-5933335-C-T.
Other names: c.1753G>A, p.Ala585Thr (NM_001291593.2); c.1756G>A, p.Ala586Thr (NM_001291594.2); short protein forms A1098T, A586T, A585T.
Identifiers: ClinVar variation 500975 (VCV000500975.16), dbSNP rs41280798, ClinGen allele CA553715.
Genomic context (GRCh38, chr1:5,873,275, plus strand): 5'-AGCCCCGAGATCAGTTTGTCCTCCGTTGCCCCTTTACCTTGGCGTGTTTAGTGGGCACTG[C>T]GCTGGACTTCCAAGGTGACACGGCGTCCATGCCCTTCTCGTTGCTCAACCCAGGAGAGGC-3'
Protein context (NP_055917.1, residues 1088-1108): MDAVSPWKSS[Ala1098Thr]VPTKHAKVLF

ClinVar aggregate classification (germline): Conflicting classifications of pathogenicity. Review status: criteria provided, conflicting classifications (1 of 4 stars). 6 submissions from 6 submitters: Uncertain significance (4); Likely benign (2). Last evaluated 2026-09-01.

Conditions:
NPHP4-related disorder. Also called: NPHP4-related disorders; NPHP4-related condition. Identifiers: MedGen CN239384.
Nephronophthisis. Also called: Juvenile Nephronophthisis. Identifiers: Orphanet 655, MedGen C0687120, MONDO:0019005, HP:0000090.
Senior-Loken syndrome 4 (SLSN4). Identifiers: Orphanet 3156, MedGen C1846979, MONDO:0011756, OMIM 606996.
Nephronophthisis 4 (NPHP4). Also called: NEPHRONOPHTHISIS 4, JUVENILE. Identifiers: Orphanet 655, MedGen C1847013, MONDO:0011752, OMIM 606966.

Allele frequency attached by ClinVar (database versions not stated): gnomAD 0.00068 and 0.00074; ESP Exome Variant Server 0.00071; TOPMed 0.00074; ExAC 0.00080; 1000 Genomes Project 0.00120; 1000 Genomes Project 30x 0.00125.
gnomAD v4.1: 1,616 of 1,613,888 alleles (0.1%); highest among the groups gnomAD compares: Non-Finnish European, 0.13%; 1 homozygote.

Submissions (6):

PreventionGenetics, part of Exact Sciences
Classification: Uncertain significance for NPHP4-related condition. Last evaluated: 2026-09-01. Review status: criteria provided, single submitter. Criteria: ACMG Guidelines, 2015. Collection method: clinical testing. Allele origin: germline.
Comment: The NPHP4 c.3292G>A variant is predicted to result in the amino acid substitution p.Ala1098Thr. This variant has been reported in individuals with nephronophthisis (Hoefele et al. 2005. PubMed ID: 15776426; Gast et al. 2016. PubMed ID: 26346198). A study utilizing C. elegans determined that the c.3292G>A (p.Ala1098) variant did not alter NPHP4 protein function (Masyukova et al. 2011. PubMed ID: 21546380). This variant is reported in 0.12% of alleles in individuals of European (Non-Finnish) descent in gnomAD, which is more common than expected for a pathogenic variant. Although we suspect that this variant may be benign, at this time, the clinical significance of this variant is uncertain due to the absence of conclusive functional and genetic evidence.

Blueprint Genetics
Classification: Likely benign. Last evaluated: 2024-11-20. Review status: criteria provided, single submitter. Criteria: ACMG Guidelines, 2015. Collection method: clinical testing. Allele origin: germline.

Labcorp Genetics (formerly Invitae), Labcorp
Classification: Uncertain significance for Nephronophthisis. Last evaluated: 2022-10-31. Review status: criteria provided, single submitter. Criteria: Invitae Variant Classification Sherloc (09022015). Collection method: clinical testing. Allele origin: germline.
Comment: This sequence change replaces alanine, which is neutral and non-polar, with threonine, which is neutral and polar, at codon 1098 of the NPHP4 protein (p.Ala1098Thr). This variant is present in population databases (rs41280798, gnomAD 0.1%), and has an allele count higher than expected for a pathogenic variant. This missense change has been observed in individual(s) with nephronophthisis and focal segmental glomerulosclerosis (PMID: 15776426, 26346198). ClinVar contains an entry for this variant (Variation ID: 500975). Advanced modeling of protein sequence and biophysical properties (such as structural, functional, and spatial information, amino acid conservation, physicochemical variation, residue mobility, and thermodynamic stability) performed at Invitae indicates that this missense variant is not expected to disrupt NPHP4 protein function. Experimental studies have shown that this missense change does not substantially affect NPHP4 function (PMID: 21546380). In summary, the available evidence is currently insufficient to determine the role of this variant in disease. Therefore, it has been classified as a Variant of Uncertain Significance.

Fulgent Genetics
Classification: Uncertain significance for Nephronophthisis 4; Senior-Loken syndrome 4. Last evaluated: 2018-10-31. Review status: criteria provided, single submitter. Criteria: ACMG Guidelines, 2015. Collection method: clinical testing. Allele origin: unknown.

Eurofins Ntd Llc (ga)
Classification: Uncertain significance. Last evaluated: 2018-07-06. Review status: criteria provided, single submitter. Criteria: EGL ClinVar v180209 classification definitions. Collection method: clinical testing. Allele origin: germline. Observed: 3 variant alleles, 2 heterozygotes, 1 homozygote.

Illumina Laboratory Services, Illumina
Classification: Likely benign for Nephronophthisis 4. Last evaluated: 2017-04-27. Review status: criteria provided, single submitter. Criteria: ICSL Variant Classification Criteria 13 December 2019. Collection method: clinical testing. Allele origin: germline.
Comment: This variant was observed as part of a predisposition screen in an ostensibly healthy population. A literature search was performed for the gene, cDNA change, and amino acid change (where applicable). Publications were found based on this search. The evidence from the literature, in combination with allele frequency data from public databases where available, was sufficient to determine this variant is unlikely to cause disease. Therefore, this variant is classified as likely benign.

Literature cited by the submitters: PubMed 15776426 (cited by Labcorp Genetics (formerly Invitae), Labcorp and Illumina Laboratory Services, Illumina); PubMed 26346198 (cited by Labcorp Genetics (formerly Invitae), Labcorp); PubMed 21546380 (cited by Labcorp Genetics (formerly Invitae), Labcorp).